The following is an entry in ClinVar:

NM_015909.4(NBAS):c.758T>C (p.Val253Ala)

Gene: NBAS (NBAS subunit of NRZ tethering complex; minus strand). Cytogenetic location: 2p24.3.
Variant type: single nucleotide variant.
Coding change: c.758T>C on transcript NM_015909.4 (MANE Select); coding-DNA position 758, T replaced by C.
Protein change: p.Val253Ala; replaces valine 253 with alanine.
Molecular consequence: missense variant. On other transcripts: non-coding transcript variant (1).
Genome position (GRCh38, 1-based): chr2:15,511,339, A>G on the plus strand (T>C on the coding strand, the complement: NBAS is on the minus strand). VCF-style: chr2-15511339-A-G. GRCh37 (hg19) VCF-style: chr2-15651463-A-G.
Other names: short protein forms V253A.
Identifiers: ClinVar variation 2111760 (VCV002111760.4), dbSNP rs764164808, ClinGen allele CA345898675.
Genomic context (GRCh38, chr2:15,511,339, plus strand): 5'-GCAGAAAGGCCACAGCTAGAAGCTTTTGACATGCCTACTTCAGCAGTTTCACATCCACCA[A>G]CAAGTAAAAGTCTAAAAAGGAGAAAATTTTTAAAAATCGATAAATTGCAAATATAAATAA-3'
Protein context (NP_056993.2, residues 243-263): IYHPGHRLLL[Val253Ala]GGCETAEVGM

ClinVar aggregate classification (germline): Uncertain significance (1 of 4 stars; one submission).

Submission:

Labcorp Genetics (formerly Invitae), Labcorp
Classification: Uncertain significance. Last evaluated: 2022-07-03. Review status: criteria provided, single submitter. Criteria: Invitae Variant Classification Sherloc (09022015). Collection method: clinical testing. Allele origin: germline.
Comment: In summary, the available evidence is currently insufficient to determine the role of this variant in disease. Therefore, it has been classified as a Variant of Uncertain Significance. Algorithms developed to predict the effect of missense changes on protein structure and function are either unavailable or do not agree on the potential impact of this missense change (SIFT: "Deleterious"; PolyPhen-2: "Benign"; Align-GVGD: "Class C55"). This variant has not been reported in the literature in individuals affected with NBAS-related conditions. This variant is not present in population databases (gnomAD no frequency). This sequence change replaces valine, which is neutral and non-polar, with alanine, which is neutral and non-polar, at codon 253 of the NBAS protein (p.Val253Ala).